The following is an entry in ClinVar:

ClinVar aggregate classification (germline): Uncertain significance. Review status: criteria provided, multiple submitters, no conflicts (2 of 4 stars). 3 submissions from 3 submitters: Uncertain significance (3). Last evaluated 2025-07-30.

Conditions:
Primary familial hypertrophic cardiomyopathy (HCM). Identifiers: Orphanet 99739, MedGen C0949658, MeSH D024741, MONDO:0024573. Inheritance: Various modes of inheritance.

Submissions (3):

Labcorp Genetics (formerly Invitae), Labcorp
Classification: Uncertain significance for Primary familial hypertrophic cardiomyopathy. Last evaluated: 2025-07-30. Review status: criteria provided, single submitter. Criteria: Invitae Variant Classification Sherloc (09022015). Collection method: clinical testing. Allele origin: germline.
Comment: This sequence change replaces leucine, which is neutral and non-polar, with phenylalanine, which is neutral and non-polar, at codon 199 of the ILK protein (p.Leu199Phe). This variant is not present in population databases (gnomAD no frequency). This variant has not been reported in the literature in individuals affected with ILK-related conditions. ClinVar contains an entry for this variant (Variation ID: 3528911). An algorithm developed to predict the effect of missense changes on protein structure and function (PolyPhen-2) suggests that this variant is likely to be tolerated. In summary, the available evidence is currently insufficient to determine the role of this variant in disease. Therefore, it has been classified as a Variant of Uncertain Significance.

Ambry Genetics
Classification: Uncertain significance. Last evaluated: 2024-10-27. Review status: criteria provided, single submitter. Criteria: Ambry Variant Classification Scheme 2023. Collection method: clinical testing. Allele origin: germline.
Comment: The p.L199F variant (also known as c.595C>T), located in coding exon 6 of the ILK gene, results from a C to T substitution at nucleotide position 595. The leucine at codon 199 is replaced by phenylalanine, an amino acid with highly similar properties. This amino acid position is conserved. In addition, the in silico prediction for this alteration is inconclusive. Based on the available evidence, the clinical significance of this variant remains unclear.

Blueprint Genetics
Classification: Uncertain significance. Last evaluated: 2021-10-29. Review status: criteria provided, single submitter. Criteria: ACMG Guidelines, 2015. Collection method: clinical testing. Allele origin: germline.

NM_004517.4(ILK):c.595C>T (p.Leu199Phe)

Genes: ILK (integrin linked kinase; plus strand), TAF10 (TATA-box binding protein associated factor 10; minus strand). Cytogenetic location: 11p15.4.
Variant type: single nucleotide variant.
Coding change: c.595C>T on transcript NM_004517.4 (MANE Select); coding-DNA position 595, C replaced by T.
Protein change: p.Leu199Phe; replaces leucine 199 with phenylalanine.
Molecular consequence: missense variant. On other transcripts: 3 prime UTR variant (1), intron variant (1).
Genome position (GRCh38, 1-based): chr11:6,609,133, C>T. VCF-style: chr11-6609133-C-T. GRCh37 (hg19) VCF-style: chr11-6630364-C-T.
Other names: c.595C>T, p.Leu199Phe (NM_001014794.3, NM_001014795.3); c.193C>T, p.Leu65Phe (NM_001278442.2); c.*1789G>A (NM_006284.4); c.435+166C>T (NM_001278441.2); short protein forms L65F, L199F.
Identifiers: ClinVar variation 3528911 (VCV003528911.3).
Genomic context (GRCh38, chr11:6,609,133, plus strand): 5'-AATGGAACCCTGAACAAACACTCTGGCATTGACTTCAAACAGCTTAACTTCCTGACGAAG[C>T]TCAACGAGAATCACTCTGGAGAGGTGACCCCTGCCCTTCTTGCCCTTCCCTCACTAAACC-3'
Protein context (NP_004508.1, residues 189-209): DFKQLNFLTK[Leu199Phe]NENHSGELWK